The following is an entry in ClinVar:

ClinVar aggregate classification (germline): Uncertain significance (1 of 4 stars; one submission).

Conditions:
RASopathy. Also called: rasopathies; Noonan spectrum disorder. Identifiers: Orphanet 536391, MedGen C5555857, MONDO:0021060.

Submission:

Labcorp Genetics (formerly Invitae), Labcorp
Classification: Uncertain significance for RASopathy. Last evaluated: 2025-08-03. Review status: criteria provided, single submitter. Criteria: Invitae Variant Classification Sherloc (09022015). Collection method: clinical testing. Allele origin: germline.
Comment: This variant, c.1249_1251dup, results in the insertion of 1 amino acid(s) of the CBL protein (p.Pro417dup), but otherwise preserves the integrity of the reading frame. This variant is not present in population databases (gnomAD no frequency). This variant has not been reported in the literature in individuals affected with CBL-related conditions. In summary, the available evidence is currently insufficient to determine the role of this variant in disease. Therefore, it has been classified as a Variant of Uncertain Significance.

NM_005188.4(CBL):c.1249_1251dup (p.Pro417_Phe418insPro)

Gene: CBL (Cbl proto-oncogene; plus strand). Cytogenetic location: 11q23.3.
Variant type: Duplication.
Coding change: c.1249_1251dup on transcript NM_005188.4 (MANE Select); coding-DNA positions 1249 to 1251, 3 bases duplicated (CCT; older notation c.1249_1251dupCCT).
Protein change: p.Pro417_Phe418insPro.
Molecular consequence: inframe insertion.
Genome position (GRCh38, 1-based): chr11:119,278,531-119,278,533, CCT duplicated; duplicating any 3 consecutive bases within chr11:119,278,530-119,278,533 gives the same sequence; the c. name uses the placement nearest the transcript's 3' end. VCF-style (leftmost placement, unchanged base first): chr11-119278529-G-GTCC. GRCh37 (hg19) VCF-style: chr11-119149239-G-GTCC.
Identifiers: ClinVar variation 4724684 (VCV004724684.1).
Genomic context (GRCh38, chr11:119,278,529, plus strand): 5'-TTTTCAGATGCATCTGTTACTATCTTTTGCTTCTTCTGCAGGAATCAGAAGGTCAGGGCT[G>GTCC]TCCTTTCTGCCGATGTGAAATTAAAGGTACTGAACCCATCGTGGTAGATCCGTTTGATCC-3'